The following is an entry in ClinVar:

NM_000391.4(TPP1):c.493C>T (p.Pro165Ser)

Gene: TPP1 (tripeptidyl peptidase 1; minus strand). Cytogenetic location: 11p15.4.
Variant type: single nucleotide variant.
Coding change: c.493C>T on transcript NM_000391.4 (MANE Select); coding-DNA position 493, C replaced by T.
Protein change: p.Pro165Ser; replaces proline 165 with serine.
Molecular consequence: missense variant.
Genome position (GRCh38, 1-based): chr11:6,617,316, G>A on the plus strand (C>T on the coding strand, the complement: TPP1 is on the minus strand). VCF-style: chr11-6617316-G-A. GRCh37 (hg19) VCF-style: chr11-6638547-G-A.
Other names: short protein forms P165S.
Identifiers: ClinVar variation 1405584 (VCV001405584.7), dbSNP rs2134595577, ClinGen allele CA379475698.
Genomic context (GRCh38, chr11:6,617,316, plus strand): 5'-CCTGGATCTGTGTGCCCCAACCCCCATTCACCCCATAGGTGTTACCAAAGTCCACATGGG[G>A]GGCCAAGGCCTGTGGAAGCTGGTAGGGATGTGGGGACCTTACAACATGGGTTTCCGTAGG-3'
Protein context (NP_000382.3, residues 155-175): HPYQLPQALA[Pro165Ser]HVDFVGGLHR

ClinVar aggregate classification (germline): Uncertain significance (1 of 4 stars; one submission).

Allele frequency attached by ClinVar (database versions not stated): gnomAD exomes below 0.00001.
gnomAD v4.1: 2 of 1,614,130 alleles (0.00012%); highest among the groups gnomAD compares: Non-Finnish European, 0.000085%; no homozygotes.

Submission:

Labcorp Genetics (formerly Invitae), Labcorp
Classification: Uncertain significance. Last evaluated: 2024-02-24. Review status: criteria provided, single submitter. Criteria: Invitae Variant Classification Sherloc (09022015). Collection method: clinical testing. Allele origin: germline.
Comment: This sequence change replaces proline, which is neutral and non-polar, with serine, which is neutral and polar, at codon 165 of the TPP1 protein (p.Pro165Ser). This variant is not present in population databases (gnomAD no frequency). This variant has not been reported in the literature in individuals affected with TPP1-related conditions. ClinVar contains an entry for this variant (Variation ID: 1405584). Advanced modeling of protein sequence and biophysical properties (such as structural, functional, and spatial information, amino acid conservation, physicochemical variation, residue mobility, and thermodynamic stability) performed at Invitae indicates that this missense variant is not expected to disrupt TPP1 protein function with a negative predictive value of 95%. In summary, the available evidence is currently insufficient to determine the role of this variant in disease. Therefore, it has been classified as a Variant of Uncertain Significance.